The following is an entry in ClinVar:

ClinVar aggregate classification (germline): Likely benign (0 of 4 stars; one submission).

Conditions:
TAF13-related disorder. Also called: TAF13-related condition.

Allele frequency attached by ClinVar (database versions not stated): TOPMed 0.00001; gnomAD 0.00003; ESP Exome Variant Server 0.00008; ExAC 0.00012.
gnomAD v4.1: 79 of 1,614,072 alleles (0.0049%); highest among the groups gnomAD compares: South Asian, 0.079%; 2 homozygotes.

Submission:

PreventionGenetics, part of Exact Sciences
Classification: Likely benign for TAF13-related condition. Last evaluated: 2019-05-10. Review status: no assertion criteria provided. Collection method: clinical testing. Allele origin: germline.
Comment: This variant is classified as likely benign based on ACMG/AMP sequence variant interpretation guidelines (Richards et al. 2015 PMID: 25741868, with internal and published modifications).

NM_005645.4(TAF13):c.27+10C>G

Gene: TAF13 (TATA-box binding protein associated factor 13; minus strand). Cytogenetic location: 1p13.3.
Variant type: single nucleotide variant.
Coding change: c.27+10C>G on transcript NM_005645.4 (MANE Select); 10 bases into the intron after coding-DNA position 27, C replaced by G.
Molecular consequence: intron variant.
Genome position (GRCh38, 1-based): chr1:109,075,911, G>C on the plus strand (C>G on the coding strand, the complement: TAF13 is on the minus strand). VCF-style: chr1-109075911-G-C. GRCh37 (hg19) VCF-style: chr1-109618533-G-C.
Identifiers: ClinVar variation 3041189 (VCV003041189.2), dbSNP rs376596816, ClinGen allele CA984404.